The following is an entry in ClinVar:

ClinVar aggregate classification (germline): Likely benign. Review status: criteria provided, multiple submitters, no conflicts (2 of 4 stars). 2 submissions from 2 submitters: Likely benign (2). Last evaluated 2025-12-21.

Conditions:
Peters plus syndrome. Also called: KRAUSE-KIVLIN SYNDROME. Identifiers: Orphanet 709, MedGen C0796012, MONDO:0009856, OMIM 261540.

Allele frequency attached by ClinVar (database versions not stated): gnomAD exomes below 0.00001 and 0.00001.
gnomAD v4.1: 3 of 1,374,104 alleles (0.00022%); highest among the groups gnomAD compares: South Asian, 0.0014%; no homozygotes.

Submissions (2):

Labcorp Genetics (formerly Invitae), Labcorp
Classification: Likely benign for Peters plus syndrome. Last evaluated: 2025-12-21. Review status: criteria provided, single submitter. Criteria: Invitae Variant Classification Sherloc (09022015). Collection method: clinical testing. Allele origin: germline.

CeGaT Center for Human Genetics Tuebingen
Classification: Likely benign. Last evaluated: 2022-05-01. Review status: criteria provided, single submitter. Criteria: CeGaT Center For Human Genetics Tuebingen Variant Classification Criteria Version 2. Collection method: clinical testing. Allele origin: germline. Affected: yes. Observed: 1 variant allele.
Comment: B3GLCT: BP4, BP7

NM_194318.4(B3GLCT):c.42G>A (p.Ala14=)

Genes: B3GLCT (beta 3-glucosyltransferase; plus strand), LOC130009514 (ATAC-STARR-seq lymphoblastoid silent region 5240; plus strand). Cytogenetic location: 13q12.3.
Variant type: single nucleotide variant.
Coding change: c.42G>A on transcript NM_194318.4 (MANE Select); coding-DNA position 42, G replaced by A.
Protein change: p.Ala14=; no amino-acid change (alanine 14 retained).
Molecular consequence: synonymous variant.
Genome position (GRCh38, 1-based): chr13:31,200,126, G>A. VCF-style: chr13-31200126-G-A. GRCh37 (hg19) VCF-style: chr13-31774263-G-A.
Identifiers: ClinVar variation 1694697 (VCV001694697.32), dbSNP rs1201580196, ClinGen allele CA483252371.